The following is an entry in ClinVar:

ClinVar aggregate classification (germline): Uncertain significance (1 of 4 stars; one submission).

Conditions:
Hereditary cancer-predisposing syndrome. Also called: Hereditary neoplastic syndrome; Hereditary Cancer Syndrome; Tumor predisposition; Neoplastic Syndromes, Hereditary. Identifiers: Orphanet 140162, MedGen C0027672, MeSH D009386, MONDO:0015356.

Submission:

Labcorp Genetics (formerly Invitae), Labcorp
Classification: Uncertain significance for Hereditary cancer-predisposing syndrome. Last evaluated: 2022-05-03. Review status: criteria provided, single submitter. Criteria: Invitae Variant Classification Sherloc (09022015). Collection method: clinical testing. Allele origin: germline.
Comment: In summary, the available evidence is currently insufficient to determine the role of this variant in disease. Therefore, it has been classified as a Variant of Uncertain Significance. Algorithms developed to predict the effect of missense changes on protein structure and function (SIFT, PolyPhen-2, Align-GVGD) all suggest that this variant is likely to be tolerated. This variant has not been reported in the literature in individuals affected with RAD50-related conditions. This variant is not present in population databases (gnomAD no frequency). This sequence change replaces aspartic acid, which is acidic and polar, with glycine, which is neutral and non-polar, at codon 306 of the RAD50 protein (p.Asp306Gly).

NM_005732.4(RAD50):c.917A>G (p.Asp306Gly)

Gene: RAD50 (RAD50 double strand break repair protein; plus strand). Cytogenetic location: 5q31.1.
Variant type: single nucleotide variant.
Coding change: c.917A>G on transcript NM_005732.4 (MANE Select); coding-DNA position 917, A replaced by G.
Protein change: p.Asp306Gly; replaces aspartic acid 306 with glycine.
Molecular consequence: missense variant.
Genome position (GRCh38, 1-based): chr5:132,587,955, A>G. VCF-style: chr5-132587955-A-G. GRCh37 (hg19) VCF-style: chr5-131923647-A-G.
Other names: short protein forms D306G.
Identifiers: ClinVar variation 2133311 (VCV002133311.4), dbSNP rs2479632484, ClinGen allele CA360940888.